The following is an entry in ClinVar:

NM_001370466.1(NOD2):c.113T>C (p.Val38Ala)

Gene: NOD2 (nucleotide binding oligomerization domain containing 2; plus strand). Cytogenetic location: 16q12.1.
Variant type: single nucleotide variant.
Coding change: c.113T>C on transcript NM_001370466.1 (MANE Select); coding-DNA position 113, T replaced by C.
Protein change: p.Val38Ala; replaces valine 38 with alanine.
Molecular consequence: missense variant. On other transcripts: non-coding transcript variant (1).
Genome position (GRCh38, 1-based): chr16:50,699,608, T>C. VCF-style: chr16-50699608-T-C. GRCh37 (hg19) VCF-style: chr16-50733519-T-C.
Other names: c.113T>C, p.Val38Ala (NM_001293557.2); c.194T>C, p.Val65Ala (NM_022162.3); short protein forms V65A, V38A.
Identifiers: ClinVar variation 2120466 (VCV002120466.4), dbSNP rs1963831307, ClinGen allele CA395865657.

ClinVar aggregate classification (germline): Uncertain significance (1 of 4 stars; one submission).

Conditions:
Regional enteritis. Also called: Enteritis, Granulomatous. Identifiers: MedGen C0678202, MeSH D003424.
Blau syndrome (BLAUS). Also called: ARTHROCUTANEOUVEAL GRANULOMATOSIS; GRANULOMATOSIS, FAMILIAL JUVENILE SYSTEMIC; GRANULOMATOSIS, FAMILIAL, BLAU TYPE; GRANULOMATOUS INFLAMMATORY ARTHRITIS, DERMATITIS, AND UVEITIS, FAMILIAL; JABS SYNDROME. Identifiers: Orphanet 90340, MedGen C5201146, MONDO:0008523, OMIM 186580.

Allele frequency attached by ClinVar (database versions not stated): gnomAD 0.00001; gnomAD exomes 0.00001.
gnomAD v4.1: 4 of 1,613,140 alleles (0.00025%); highest among the groups gnomAD compares: South Asian, 0.0044%; no homozygotes.

Submission:

Labcorp Genetics (formerly Invitae), Labcorp
Classification: Uncertain significance for Regional enteritis; Blau syndrome. Last evaluated: 2022-04-01. Review status: criteria provided, single submitter. Criteria: Invitae Variant Classification Sherloc (09022015). Collection method: clinical testing. Allele origin: germline.
Comment: This sequence change replaces valine, which is neutral and non-polar, with alanine, which is neutral and non-polar, at codon 65 of the NOD2 protein (p.Val65Ala). This variant is not present in population databases (gnomAD no frequency). This variant has not been reported in the literature in individuals affected with NOD2-related conditions. Advanced modeling of protein sequence and biophysical properties (such as structural, functional, and spatial information, amino acid conservation, physicochemical variation, residue mobility, and thermodynamic stability) performed at Invitae indicates that this missense variant is not expected to disrupt NOD2 protein function. In summary, the available evidence is currently insufficient to determine the role of this variant in disease. Therefore, it has been classified as a Variant of Uncertain Significance.